The following is an entry in ClinVar:

NM_017909.4(RMND1):c.1289G>C (p.Trp430Ser)

Gene: RMND1 (required for meiotic nuclear division 1 homolog; minus strand). Cytogenetic location: 6q25.1.
Variant type: single nucleotide variant.
Coding change: c.1289G>C on transcript NM_017909.4 (MANE Select); coding-DNA position 1289, G replaced by C.
Protein change: p.Trp430Ser; replaces tryptophan 430 with serine.
Molecular consequence: missense variant.
Genome position (GRCh38, 1-based): chr6:151,405,748, C>G on the plus strand (G>C on the coding strand, the complement: RMND1 is on the minus strand). VCF-style: chr6-151405748-C-G. GRCh37 (hg19) VCF-style: chr6-151726883-C-G.
Other names: c.779G>C, p.Trp260Ser (NM_001271937.2); c.1289G>C (NM_017909.2); short protein forms W260S, W430S.
Identifiers: ClinVar variation 1468396 (VCV001468396.6), dbSNP rs755793918, ClinGen allele CA4050732.

ClinVar aggregate classification (germline): Uncertain significance. Review status: criteria provided, multiple submitters, no conflicts (2 of 4 stars). 3 submissions from 3 submitters: Uncertain significance (3). Last evaluated 2024-07-10.

Conditions:
Combined oxidative phosphorylation defect type 11. Also called: ENCEPHALONEUROMYOPATHY, INFANTILE, DUE TO MITOCHONDRIAL TRANSLATION DEFECT; Combined oxidative phosphorylation deficiency 11. Identifiers: Orphanet 324535, MedGen C5190991, MONDO:0013969, OMIM 614922.
Inborn genetic diseases. Identifiers: MedGen C0950123, MeSH D030342.

Allele frequency attached by ClinVar (database versions not stated): gnomAD 0.00001 and 0.00003; ExAC 0.00002; gnomAD exomes 0.00003 and 0.00011; TOPMed 0.00004.
gnomAD v4.1: 158 of 1,590,844 alleles (0.0099%); highest among the groups gnomAD compares: Middle Eastern, 0.033%; no homozygotes.

Submissions (3):

Ambry Genetics
Classification: Uncertain significance for Inborn genetic diseases. Last evaluated: 2024-07-10. Review status: criteria provided, single submitter. Criteria: Ambry Variant Classification Scheme 2023. Collection method: clinical testing. Allele origin: germline.

Labcorp Genetics (formerly Invitae), Labcorp
Classification: Uncertain significance. Last evaluated: 2022-07-30. Review status: criteria provided, single submitter. Criteria: Invitae Variant Classification Sherloc (09022015). Collection method: clinical testing. Allele origin: germline.
Comment: This sequence change replaces tryptophan, which is neutral and slightly polar, with serine, which is neutral and polar, at codon 430 of the RMND1 protein (p.Trp430Ser). This variant is present in population databases (rs755793918, gnomAD 0.006%). This variant has not been reported in the literature in individuals affected with RMND1-related conditions. ClinVar contains an entry for this variant (Variation ID: 1468396). Algorithms developed to predict the effect of missense changes on protein structure and function are either unavailable or do not agree on the potential impact of this missense change (SIFT: "Deleterious"; PolyPhen-2: "Possibly Damaging"; Align-GVGD: "Class C0"). In summary, the available evidence is currently insufficient to determine the role of this variant in disease. Therefore, it has been classified as a Variant of Uncertain Significance.

Fulgent Genetics
Classification: Uncertain significance for Combined oxidative phosphorylation defect type 11. Last evaluated: 2022-05-05. Review status: criteria provided, single submitter. Criteria: ACMG Guidelines, 2015. Collection method: clinical testing. Allele origin: unknown.